The following is an entry in ClinVar:

ClinVar aggregate classification (germline): Uncertain significance (1 of 4 stars; one submission).

Conditions:
Aspartylglucosaminuria (AGU). Also called: Aspartylglucos-aminuria; Aspartylglucos-amidase (AGA) deficiency; GLYCOASPARAGINASE; GLYCOSYLASPARAGINASE DEFICIENCY; AGA DEFICIENCY. Identifiers: Orphanet 93, MedGen C0268225, MONDO:0008830, OMIM 208400, HP:0012068.

Allele frequency attached by ClinVar (database versions not stated): gnomAD exomes below 0.00001; ESP Exome Variant Server 0.00008.

Submission:

Labcorp Genetics (formerly Invitae), Labcorp
Classification: Uncertain significance for Aspartylglucosaminuria. Last evaluated: 2021-09-24. Review status: criteria provided, single submitter. Criteria: Invitae Variant Classification Sherloc (09022015). Collection method: clinical testing. Allele origin: germline.
Comment: This sequence change replaces asparagine with histidine at codon 336 of the AGA protein (p.Asn336His). The asparagine residue is moderately conserved and there is a small physicochemical difference between asparagine and histidine. This variant is not present in population databases (ExAC no frequency). This variant has not been reported in the literature in individuals with AGA-related conditions. Advanced modeling of protein sequence and biophysical properties (such as structural, functional, and spatial information, amino acid conservation, physicochemical variation, residue mobility, and thermodynamic stability) performed at Invitae indicates that this missense variant is expected to disrupt AGA protein function. In summary, the available evidence is currently insufficient to determine the role of this variant in disease. Therefore, it has been classified as a Variant of Uncertain Significance.

NM_000027.4(AGA):c.1006A>C (p.Asn336His)

Gene: AGA (aspartylglucosaminidase; minus strand). Cytogenetic location: 4q34.3.
Variant type: single nucleotide variant.
Coding change: c.1006A>C on transcript NM_000027.4 (MANE Select); coding-DNA position 1006, A replaced by C.
Protein change: p.Asn336His; replaces asparagine 336 with histidine.
Molecular consequence: missense variant. On other transcripts: non-coding transcript variant (1).
Genome position (GRCh38, 1-based): chr4:177,431,743, T>G on the plus strand (A>C on the coding strand, the complement: AGA is on the minus strand). VCF-style: chr4-177431743-T-G. GRCh37 (hg19) VCF-style: chr4-178352897-T-G.
Other names: c.976A>C, p.Asn326His (NM_001171988.2); short protein forms N326H, N336H.
Identifiers: ClinVar variation 1412569 (VCV001412569.5), dbSNP rs151105390, ClinGen allele CA110786219.
Genomic context (GRCh38, chr4:177,431,743, plus strand): 5'-TACAGATGTTGACAGTAAAGATGGATTAGATGCAGTCCACTTTTTCCTCAGTTGGCTGAT[T>G]TTTTTCGGAATTATAAACCATGAAACTAAACTGAGTAAATGTTGAAAGTTTATTGCAAGC-3'
Protein context (NP_000018.2, residues 326-346): FSFMVYNSEK[Asn336His]QPTEEKVDCI